The following is an entry in ClinVar:

NM_024529.5(CDC73):c.1269A>G (p.Val423=)

Gene: CDC73 (cell division cycle 73; plus strand). Cytogenetic location: 1q31.2.
Variant type: single nucleotide variant.
Coding change: c.1269A>G on transcript NM_024529.5 (MANE Select); coding-DNA position 1269, A replaced by G.
Protein change: p.Val423=; no amino-acid change (valine 423 retained).
Molecular consequence: synonymous variant.
Genome position (GRCh38, 1-based): chr1:193,233,107, A>G. VCF-style: chr1-193233107-A-G. GRCh37 (hg19) VCF-style: chr1-193202237-A-G.
Identifiers: ClinVar variation 1646157 (VCV001646157.12), dbSNP rs745826358, ClinGen allele CA1303807.

ClinVar aggregate classification (germline): Likely benign. Review status: criteria provided, multiple submitters, no conflicts (2 of 4 stars). 3 submissions from 3 submitters: Likely benign (2). 1 of the submissions does not count toward it. Last evaluated 2024-08-08.

Conditions:
CDC73-related disorder. Also called: CDC73-related condition; CDC73-related disorders. Identifiers: MedGen CN169292.
Hereditary cancer-predisposing syndrome. Also called: Tumor predisposition; Hereditary Cancer Syndrome; Neoplastic Syndromes, Hereditary; Hereditary neoplastic syndrome. Identifiers: Orphanet 140162, MedGen C0027672, MeSH D009386, MONDO:0015356.
Parathyroid carcinoma (PRTC). Also called: CDC73-Related Parathyroid Carcinoma; Parathyroid gland carcinoma. Identifiers: Orphanet 143, MedGen C0687150, MONDO:0012004, OMIM 608266, HP:0006780.

Allele frequency attached by ClinVar (database versions not stated): gnomAD exomes below 0.00001 and 0.00001; ExAC 0.00001; TOPMed 0.00001.
gnomAD v4.1: 2 of 1,613,204 alleles (0.00012%); highest among the groups gnomAD compares: African/African-American, 0.0027%; no homozygotes.

Submissions (3):

Labcorp Genetics (formerly Invitae), Labcorp
Classification: Likely benign for Parathyroid carcinoma. Last evaluated: 2024-08-08. Review status: criteria provided, single submitter. Criteria: Invitae Variant Classification Sherloc (09022015). Collection method: clinical testing. Allele origin: germline.

Ambry Genetics
Classification: Likely benign for Hereditary cancer-predisposing syndrome. Last evaluated: 2020-07-11. Review status: criteria provided, single submitter. Criteria: Ambry Variant Classification Scheme 2023. Collection method: clinical testing. Allele origin: germline.

PreventionGenetics, part of Exact Sciences
Classification: Likely benign for CDC73-related condition. Last evaluated: 2022-04-29. Review status: no assertion criteria provided. Collection method: clinical testing. Allele origin: germline. Not counted in ClinVar's aggregate classification.
Comment: This variant is classified as likely benign based on ACMG/AMP sequence variant interpretation guidelines (Richards et al. 2015 PMID: 25741868, with internal and published modifications).